The following is an entry in ClinVar:

NM_022367.4(SEMA4A):c.247G>C (p.Ala83Pro)

Gene: SEMA4A (semaphorin 4A; plus strand). Cytogenetic location: 1q22.
Variant type: single nucleotide variant.
Coding change: c.247G>C on transcript NM_022367.4 (MANE Select); coding-DNA position 247, G replaced by C.
Protein change: p.Ala83Pro; replaces alanine 83 with proline.
Molecular consequence: missense variant. On other transcripts: 5 prime UTR variant (4).
Genome position (GRCh38, 1-based): chr1:156,156,521, G>C. VCF-style: chr1-156156521-G-C. GRCh37 (hg19) VCF-style: chr1-156126312-G-C.
Other names: c.247G>C, p.Ala83Pro (NM_001193300.2, NM_001193301.2, NM_001370567.1); c.-51G>C (NM_001193302.2, NM_001370568.1); c.-278G>C (NM_001370569.1, NM_001370571.1); c.247G>C (NM_022367.3); short protein forms A83P.
Identifiers: ClinVar variation 1447017 (VCV001447017.13), dbSNP rs746991043, ClinGen allele CA1154959.

ClinVar aggregate classification (germline): Uncertain significance. Review status: criteria provided, multiple submitters, no conflicts (2 of 4 stars). 5 submissions from 4 submitters: Uncertain significance (5). Last evaluated 2023-04-11.

Conditions:
Retinitis pigmentosa 35 (RP35). Identifiers: Orphanet 791, MedGen C1853214, MONDO:0012463, OMIM 610282.
Cone-rod dystrophy 10 (CORD10). Identifiers: Orphanet 1872, MedGen C1846529, MONDO:0012464, OMIM 610283.

Allele frequency attached by ClinVar (database versions not stated): gnomAD 0.00001; ExAC 0.00002; gnomAD exomes 0.00003 and 0.00004.
gnomAD v4.1: 37 of 1,614,116 alleles (0.0023%); highest among the groups gnomAD compares: South Asian, 0.041%; no homozygotes.

Submissions (5):

Genome-Nilou Lab
Classification: Uncertain significance for Cone-rod dystrophy 10. Last evaluated: 2023-04-11. Review status: criteria provided, single submitter. Criteria: ACMG Guidelines, 2015. Collection method: clinical testing. Allele origin: germline. Affected: no.

Genome-Nilou Lab
Classification: Uncertain significance for Retinitis pigmentosa 35. Last evaluated: 2023-04-11. Review status: criteria provided, single submitter. Criteria: ACMG Guidelines, 2015. Collection method: clinical testing. Allele origin: germline. Affected: no.

Labcorp Genetics (formerly Invitae), Labcorp
Classification: Uncertain significance. Last evaluated: 2022-05-03. Review status: criteria provided, single submitter. Criteria: Invitae Variant Classification Sherloc (09022015). Collection method: clinical testing. Allele origin: germline.
Comment: In summary, the available evidence is currently insufficient to determine the role of this variant in disease. Therefore, it has been classified as a Variant of Uncertain Significance. Algorithms developed to predict the effect of missense changes on protein structure and function are either unavailable or do not agree on the potential impact of this missense change (SIFT: "Tolerated"; PolyPhen-2: "Possibly Damaging"; Align-GVGD: "Class C0"). This variant has not been reported in the literature in individuals affected with SEMA4A-related conditions. This variant is present in population databases (rs746991043, gnomAD 0.03%). This sequence change replaces alanine, which is neutral and non-polar, with proline, which is neutral and non-polar, at codon 83 of the SEMA4A protein (p.Ala83Pro).

Blueprint Genetics
Classification: Uncertain significance. Last evaluated: 2021-11-23. Review status: criteria provided, single submitter. Criteria: ACMG Guidelines, 2015. Collection method: clinical testing. Allele origin: germline.

Ambry Genetics
Classification: Uncertain significance. Last evaluated: 2021-07-09. Review status: criteria provided, single submitter. Criteria: Ambry Variant Classification Scheme 2023. Collection method: clinical testing. Allele origin: germline.